The following is an entry in ClinVar:

NM_006514.4(SCN10A):c.760A>G (p.Ile254Val)

Gene: SCN10A (sodium voltage-gated channel alpha subunit 10; minus strand). Cytogenetic location: 3p22.2.
Variant type: single nucleotide variant.
Coding change: c.760A>G on transcript NM_006514.4 (MANE Select); coding-DNA position 760, A replaced by G.
Protein change: p.Ile254Val; replaces isoleucine 254 with valine.
Molecular consequence: missense variant.
Genome position (GRCh38, 1-based): chr3:38,761,315, T>C on the plus strand (A>G on the coding strand, the complement: SCN10A is on the minus strand). VCF-style: chr3-38761315-T-C. GRCh37 (hg19) VCF-style: chr3-38802806-T-C.
Other names: c.760A>G, p.Ile254Val (NM_001293306.2, NM_001293307.2); short protein forms I254V.
Identifiers: ClinVar variation 1406099 (VCV001406099.8), dbSNP rs766143752, ClinGen allele CA2321080.

ClinVar aggregate classification (germline): Uncertain significance (1 of 4 stars; one submission).

Conditions:
Brugada syndrome. Also called: Sudden unexpected nocturnal death syndrome; Sudden Unexplained Death Syndrome; Sudden Unexplained Nocturnal Death Syndrome (SUNDS); Sudden unexplained nocturnal death syndrome. Identifiers: Orphanet 130, MedGen C1142166, MONDO:0015263.

Allele frequency attached by ClinVar (database versions not stated): ExAC 0.00001.
gnomAD v4.1: 4 of 1,613,968 alleles (0.00025%); highest among the groups gnomAD compares: East Asian, 0.0067%; no homozygotes.

Submission:

Labcorp Genetics (formerly Invitae), Labcorp
Classification: Uncertain significance for Brugada syndrome. Last evaluated: 2021-01-13. Review status: criteria provided, single submitter. Criteria: Invitae Variant Classification Sherloc (09022015). Collection method: clinical testing. Allele origin: germline.
Comment: In summary, the available evidence is currently insufficient to determine the role of this variant in disease. Therefore, it has been classified as a Variant of Uncertain Significance. Advanced modeling of protein sequence and biophysical properties (such as structural, functional, and spatial information, amino acid conservation, physicochemical variation, residue mobility, and thermodynamic stability) performed at Invitae indicates that this missense variant is not expected to disrupt SCN10A protein function. This variant has not been reported in the literature in individuals with SCN10A-related conditions. This variant is present in population databases (rs766143752, ExAC 0.01%). This sequence change replaces isoleucine with valine at codon 254 of the SCN10A protein (p.Ile254Val). The isoleucine residue is weakly conserved and there is a small physicochemical difference between isoleucine and valine.